The following is an entry in ClinVar:

NM_001111.5(ADAR):c.2051C>T (p.Ala684Val)

Gene: ADAR (adenosine deaminase RNA specific; minus strand). Cytogenetic location: 1q21.3.
Variant type: single nucleotide variant.
Coding change: c.2051C>T on transcript NM_001111.5 (MANE Select); coding-DNA position 2051, C replaced by T.
Protein change: p.Ala684Val; replaces alanine 684 with valine.
Molecular consequence: missense variant.
Genome position (GRCh38, 1-based): chr1:154,597,151, G>A on the plus strand (C>T on the coding strand, the complement: ADAR is on the minus strand). VCF-style: chr1-154597151-G-A. GRCh37 (hg19) VCF-style: chr1-154569627-G-A.
Other names: c.1166C>T, p.Ala389Val (NM_001025107.3, NM_001193495.2, NM_001365046.1 and 3 more transcripts); c.2078C>T, p.Ala693Val (NM_001365045.1); c.2051C>T, p.Ala684Val (NM_015840.4, NM_015841.4); short protein forms A389V, A684V, A693V.
Identifiers: ClinVar variation 1425335 (VCV001425335.9), dbSNP rs776658787, ClinGen allele CA1131397.

ClinVar aggregate classification (germline): Uncertain significance. Review status: criteria provided, multiple submitters, no conflicts (2 of 4 stars). 2 submissions from 2 submitters: Uncertain significance (2). Last evaluated 2025-08-22.

Conditions:
Symmetrical dyschromatosis of extremities (DSH). Also called: SYMMETRIC DYSCHROMATOSIS OF THE EXTREMITIES; Dyschromatosis symmetrica hereditaria; RETICULATE ACROPIGMENTATION OF DOHI; DYSCHROMATOSIS SYMMETRICA HEREDITARIA 1. Identifiers: Orphanet 41, MedGen C0406775, MONDO:0007483, OMIM 127400.
Aicardi-Goutieres syndrome 6 (AGS6). Identifiers: Orphanet 51, MedGen C3539013, MONDO:0014007, OMIM 615010.

Allele frequency attached by ClinVar (database versions not stated): gnomAD exomes below 0.00001 and 0.00001; ExAC 0.00001.
gnomAD v4.1: 13 of 1,614,160 alleles (0.00081%); highest among the groups gnomAD compares: Middle Eastern, 0.033%; no homozygotes.

Submissions (2):

Labcorp Genetics (formerly Invitae), Labcorp
Classification: Uncertain significance for Aicardi-Goutieres syndrome 6; Symmetrical dyschromatosis of extremities. Last evaluated: 2025-08-22. Review status: criteria provided, single submitter. Criteria: Invitae Variant Classification Sherloc (09022015). Collection method: clinical testing. Allele origin: germline.
Comment: This sequence change replaces alanine, which is neutral and non-polar, with valine, which is neutral and non-polar, at codon 684 of the ADAR protein (p.Ala684Val). This variant is present in population databases (rs776658787, gnomAD 0.003%). This variant has not been reported in the literature in individuals affected with ADAR-related conditions. ClinVar contains an entry for this variant (Variation ID: 1425335). Invitae Evidence Modeling of protein sequence and biophysical properties (such as structural, functional, and spatial information, amino acid conservation, physicochemical variation, residue mobility, and thermodynamic stability) indicates that this missense variant is not expected to disrupt ADAR protein function with a negative predictive value of 80%. In summary, the available evidence is currently insufficient to determine the role of this variant in disease. Therefore, it has been classified as a Variant of Uncertain Significance.

Blueprint Genetics
Classification: Uncertain significance. Last evaluated: 2023-06-02. Review status: criteria provided, single submitter. Criteria: ACMG Guidelines, 2015. Collection method: clinical testing. Allele origin: germline.